The following is an entry in ClinVar:

NM_004304.5(ALK):c.1447G>C (p.Glu483Gln)

Gene: ALK (ALK receptor tyrosine kinase; minus strand). Cytogenetic location: 2p23.2.
Variant type: single nucleotide variant.
Coding change: c.1447G>C on transcript NM_004304.5 (MANE Select); coding-DNA position 1447, G replaced by C.
Protein change: p.Glu483Gln; replaces glutamic acid 483 with glutamine.
Molecular consequence: missense variant.
Genome position (GRCh38, 1-based): chr2:29,320,850, C>G on the plus strand (G>C on the coding strand, the complement: ALK is on the minus strand). VCF-style: chr2-29320850-C-G. GRCh37 (hg19) VCF-style: chr2-29543716-C-G.
Other names: short protein forms E483Q.
Identifiers: ClinVar variation 651397 (VCV000651397.11), dbSNP rs1453170969, ClinGen allele CA346472608.

ClinVar aggregate classification (germline): Conflicting classifications of pathogenicity. Review status: criteria provided, conflicting classifications (1 of 4 stars). 2 submissions from 2 submitters: Uncertain significance (1); Likely benign (1). Last evaluated 2022-10-13.

Conditions:
Hereditary cancer-predisposing syndrome. Also called: Hereditary Cancer Syndrome; Tumor predisposition; Neoplastic Syndromes, Hereditary; Hereditary neoplastic syndrome. Identifiers: Orphanet 140162, MedGen C0027672, MeSH D009386, MONDO:0015356.
Neuroblastoma, susceptibility to, 3. Also called: ALK-Related Neuroblastic Tumor Susceptibility. Identifiers: Orphanet 635, MedGen C2751681, MONDO:0013083, OMIM 613014.

Allele frequency attached by ClinVar (database versions not stated): TOPMed below 0.00001; gnomAD exomes 0.00001 and 0.00002.

Submissions (2):

Labcorp Genetics (formerly Invitae), Labcorp
Classification: Uncertain significance for Neuroblastoma, susceptibility to, 3. Last evaluated: 2022-10-13. Review status: criteria provided, single submitter. Criteria: Invitae Variant Classification Sherloc (09022015). Collection method: clinical testing. Allele origin: germline.
Comment: This variant is present in population databases (no rsID available, gnomAD 0.03%). In summary, the available evidence is currently insufficient to determine the role of this variant in disease. Therefore, it has been classified as a Variant of Uncertain Significance. Algorithms developed to predict the effect of missense changes on protein structure and function are either unavailable or do not agree on the potential impact of this missense change (SIFT: "Deleterious"; PolyPhen-2: "Benign"; Align-GVGD: "Class C25"). ClinVar contains an entry for this variant (Variation ID: 651397). This variant has not been reported in the literature in individuals affected with ALK-related conditions. This sequence change replaces glutamic acid, which is acidic and polar, with glutamine, which is neutral and polar, at codon 483 of the ALK protein (p.Glu483Gln).

Ambry Genetics
Classification: Likely benign for Hereditary cancer-predisposing syndrome. Last evaluated: 2022-03-12. Review status: criteria provided, single submitter. Criteria: Ambry Variant Classification Scheme 2023. Collection method: clinical testing. Allele origin: germline.